The following is an entry in ClinVar:

NM_005219.5(DIAPH1):c.2921C>G (p.Ser974Cys)

Gene: DIAPH1 (diaphanous related formin 1; minus strand). Cytogenetic location: 5q31.3.
Variant type: single nucleotide variant.
Coding change: c.2921C>G on transcript NM_005219.5 (MANE Select); coding-DNA position 2921, C replaced by G.
Protein change: p.Ser974Cys; replaces serine 974 with cysteine.
Molecular consequence: missense variant.
Genome position (GRCh38, 1-based): chr5:141,528,799, G>C on the plus strand (C>G on the coding strand, the complement: DIAPH1 is on the minus strand). VCF-style: chr5-141528799-G-C. GRCh37 (hg19) VCF-style: chr5-140908366-G-C.
Other names: c.2894C>G, p.Ser965Cys (NM_001079812.3); c.2921C>G, p.Ser974Cys (NM_001314007.2); short protein forms S965C, S974C.
Identifiers: ClinVar variation 1413948 (VCV001413948.6), dbSNP rs2154595004, ClinGen allele CA361584492.

ClinVar aggregate classification (germline): Uncertain significance (1 of 4 stars; one submission).

Conditions:
Autosomal dominant nonsyndromic hearing loss 1. Also called: KONIGSMARK SYNDROME; DEAFNESS, AUTOSOMAL DOMINANT 1, WITH OR WITHOUT THROMBOCYTOPENIA. Identifiers: Orphanet 90635, MedGen C1852282, MONDO:0007424, OMIM 124900.
Progressive microcephaly-seizures-cortical blindness-developmental delay syndrome. Also called: Seizures, cortical blindness, and microcephaly syndrome. Identifiers: Orphanet 477814, MedGen C5567650, MONDO:0014714, OMIM 616632.

gnomAD v4.1: 3 of 1,614,216 alleles (0.00019%); highest among the groups gnomAD compares: East Asian, 0.0022%; no homozygotes.

Submission:

Labcorp Genetics (formerly Invitae), Labcorp
Classification: Uncertain significance for Progressive microcephaly-seizures-cortical blindness-developmental delay syndrome; Autosomal dominant nonsyndromic hearing loss 1. Last evaluated: 2024-04-10. Review status: criteria provided, single submitter. Criteria: Invitae Variant Classification Sherloc (09022015). Collection method: clinical testing. Allele origin: germline.
Comment: This sequence change replaces serine, which is neutral and polar, with cysteine, which is neutral and slightly polar, at codon 974 of the DIAPH1 protein (p.Ser974Cys). This variant is not present in population databases (gnomAD no frequency). This variant has not been reported in the literature in individuals affected with DIAPH1-related conditions. ClinVar contains an entry for this variant (Variation ID: 1413948). An algorithm developed to predict the effect of missense changes on protein structure and function (PolyPhen-2) suggests that this variant is likely to be disruptive. In summary, the available evidence is currently insufficient to determine the role of this variant in disease. Therefore, it has been classified as a Variant of Uncertain Significance.